The following is an entry in ClinVar:

ClinVar aggregate classification (germline): Uncertain significance (1 of 4 stars; one submission).

Submission:

Labcorp Genetics (formerly Invitae), Labcorp
Classification: Uncertain significance. Last evaluated: 2022-06-10. Review status: criteria provided, single submitter. Criteria: Invitae Variant Classification Sherloc (09022015). Collection method: clinical testing. Allele origin: germline.
Comment: In summary, the available evidence is currently insufficient to determine the role of this variant in disease. Therefore, it has been classified as a Variant of Uncertain Significance. Advanced modeling of protein sequence and biophysical properties (such as structural, functional, and spatial information, amino acid conservation, physicochemical variation, residue mobility, and thermodynamic stability) performed at Invitae indicates that this missense variant is not expected to disrupt NEFH protein function. This variant has not been reported in the literature in individuals affected with NEFH-related conditions. This variant is not present in population databases (gnomAD no frequency). This sequence change replaces glycine, which is neutral and non-polar, with valine, which is neutral and non-polar, at codon 239 of the NEFH protein (p.Gly239Val).

NM_021076.4(NEFH):c.716G>T (p.Gly239Val)

Gene: NEFH (neurofilament heavy chain; plus strand). Cytogenetic location: 22q12.2.
Variant type: single nucleotide variant.
Coding change: c.716G>T on transcript NM_021076.4 (MANE Select); coding-DNA position 716, G replaced by T.
Protein change: p.Gly239Val; replaces glycine 239 with valine.
Molecular consequence: missense variant.
Genome position (GRCh38, 1-based): chr22:29,480,978, G>T. VCF-style: chr22-29480978-G-T. GRCh37 (hg19) VCF-style: chr22-29876967-G-T.
Other names: short protein forms G239V.
Identifiers: ClinVar variation 2120165 (VCV002120165.4), dbSNP rs2517969465, ClinGen allele CA411123786.
Genomic context (GRCh38, chr22:29,480,978, plus strand): 5'-AGGCGCAGGCGCTGCAGGAGGAGTGCGGCTACCTGCGGCGCCACCACCAGGAAGAGGTGG[G>T]CGAGCTGCTCGGCCAGATCCAGGGCTCCGGCGCCGCGCAGGCGCAGATGCAGGCCGAGAC-3'
Protein context (NP_066554.2, residues 229-249): YLRRHHQEEV[Gly239Val]ELLGQIQGSG